The following is an entry in ClinVar:

ClinVar aggregate classification (germline): Uncertain significance (1 of 4 stars; one submission).

Conditions:
Parathyroid carcinoma (PRTC). Also called: Parathyroid gland carcinoma; CDC73-Related Parathyroid Carcinoma. Identifiers: Orphanet 143, MedGen C0687150, MONDO:0012004, OMIM 608266, HP:0006780.

Submission:

Labcorp Genetics (formerly Invitae), Labcorp
Classification: Uncertain significance for Parathyroid carcinoma. Last evaluated: 2025-11-14. Review status: criteria provided, single submitter. Criteria: Invitae Variant Classification Sherloc (09022015). Collection method: clinical testing. Allele origin: germline.
Comment: This sequence change replaces aspartic acid, which is acidic and polar, with glutamic acid, which is acidic and polar, at codon 481 of the CDC73 protein (p.Asp481Glu). This variant is not present in population databases (gnomAD no frequency). This variant has not been reported in the literature in individuals affected with CDC73-related conditions. Invitae Evidence Modeling of protein sequence and biophysical properties (such as structural, functional, and spatial information, amino acid conservation, physicochemical variation, residue mobility, and thermodynamic stability) indicates that this missense variant is not expected to disrupt CDC73 protein function with a negative predictive value of 80%. In summary, the available evidence is currently insufficient to determine the role of this variant in disease. Therefore, it has been classified as a Variant of Uncertain Significance.

NM_024529.5(CDC73):c.1443T>A (p.Asp481Glu)

Gene: CDC73 (cell division cycle 73; plus strand). Cytogenetic location: 1q31.2.
Variant type: single nucleotide variant.
Coding change: c.1443T>A on transcript NM_024529.5 (MANE Select); coding-DNA position 1443, T replaced by A.
Protein change: p.Asp481Glu; replaces aspartic acid 481 with glutamic acid.
Molecular consequence: missense variant.
Genome position (GRCh38, 1-based): chr1:193,249,755, T>A. VCF-style: chr1-193249755-T-A. GRCh37 (hg19) VCF-style: chr1-193218885-T-A.
Other names: short protein forms D481E.
Identifiers: ClinVar variation 4744034 (VCV004744034.1).